The following is an entry in ClinVar:

ClinVar aggregate classification (germline): Likely benign (1 of 4 stars; one submission).

gnomAD v4.1: 11 of 1,602,064 alleles (0.00069%); highest among the groups gnomAD compares: Non-Finnish European, 0.00094%; no homozygotes.

Submission:

GeneDx
Classification: Likely benign. Last evaluated: 2013-01-08. Review status: criteria provided, single submitter. Criteria: GeneDx Variant Classification (06012015). Collection method: clinical testing. Allele origin: germline. Affected: yes.
Comment: This variant is considered likely benign or benign based on one or more of the following criteria: it is a conservative change, it occurs at a poorly conserved position in the protein, it is predicted to be benign by multiple in silico algorithms, and/or has population frequency not consistent with disease.

NM_152778.4(MFSD8):c.-58T>A

Gene: MFSD8 (major facilitator superfamily domain containing 8; minus strand). Cytogenetic location: 4q28.2.
Variant type: single nucleotide variant.
Coding change: c.-58T>A on transcript NM_152778.4; 58 bases upstream of the start codon, T replaced by A.
Molecular consequence: 5 prime UTR variant. On other transcripts: intron variant (2).
Genome position (GRCh38, 1-based): chr4:127,965,191, A>T on the plus strand (T>A on the coding strand, the complement: MFSD8 is on the minus strand). VCF-style: chr4-127965191-A-T. GRCh37 (hg19) VCF-style: chr4-128886346-A-T.
Other names: c.-74+706T>A (NM_001410765.1, NM_001371590.2).
Identifiers: ClinVar variation 206139 (VCV000206139.3), dbSNP rs796052737, ClinGen allele CA315942.